The following is an entry in ClinVar:

NM_006939.4(SOS2):c.3136G>T (p.Gly1046Cys)

Gene: SOS2 (SOS Ras/Rho guanine nucleotide exchange factor 2; minus strand). Cytogenetic location: 14q21.3.
Variant type: single nucleotide variant.
Coding change: c.3136G>T on transcript NM_006939.4 (MANE Select); coding-DNA position 3136, G replaced by T.
Protein change: p.Gly1046Cys; replaces glycine 1046 with cysteine.
Molecular consequence: missense variant.
Genome position (GRCh38, 1-based): chr14:50,130,702, C>A on the plus strand (G>T on the coding strand, the complement: SOS2 is on the minus strand). VCF-style: chr14-50130702-C-A. GRCh37 (hg19) VCF-style: chr14-50597420-C-A.
Other names: c.3037G>T, p.Gly1013Cys (NM_001411020.1); short protein forms G1013C, G1046C.
Identifiers: ClinVar variation 1728018 (VCV001728018.2), dbSNP rs2502826565, ClinGen allele CA389640913.
Genomic context (GRCh38, chr14:50,130,702, plus strand): 5'-TTTTACATGGTTCTCTTTCTAATGGTGTTGGGTGACCTCGTAAAGTACCTGAGGTAGAGC[C>A]ATGTCGGCCTGTGTTAGGCCTTATTCCAGGAGATTTTAAGGAAAAAGTTGATTTCCTAGG-3'
Protein context (NP_008870.2, residues 1036-1056): PGIRPNTGRH[Gly1046Cys]STSGTLRGHP

ClinVar aggregate classification (germline): Uncertain significance (1 of 4 stars; one submission).

Conditions:
Cardiovascular phenotype. Identifiers: MedGen CN230736.

Submission:

Ambry Genetics
Classification: Uncertain significance for Cardiovascular phenotype. Last evaluated: 2021-07-18. Review status: criteria provided, single submitter. Criteria: Ambry Variant Classification Scheme 2023. Collection method: clinical testing. Allele origin: germline.
Comment: The p.G1046C variant (also known as c.3136G>T), located in coding exon 20 of the SOS2 gene, results from a G to T substitution at nucleotide position 3136. The glycine at codon 1046 is replaced by cysteine, an amino acid with highly dissimilar properties. This amino acid position is conserved. In addition, the in silico prediction for this alteration is inconclusive. Since supporting evidence is limited at this time, the clinical significance of this alteration remains unclear.